The following is an entry in ClinVar:

ClinVar aggregate classification (germline): Uncertain significance (1 of 4 stars; one submission).

Allele frequency attached by ClinVar (database versions not stated): gnomAD exomes 0.00001 and 0.00002; ExAC 0.00002.
gnomAD v4.1: 8 of 1,614,124 alleles (0.0005%); highest among the groups gnomAD compares: South Asian, 0.0055%; no homozygotes.

Submission:

GeneDx
Classification: Uncertain significance. Last evaluated: 2020-01-22. Review status: criteria provided, single submitter. Criteria: GeneDx Variant Classification Process June 2021. Collection method: clinical testing. Allele origin: germline. Affected: yes.
Comment: Not observed at a significant frequency in large population cohorts (Lek et al., 2016); In silico analysis, which includes protein predictors and evolutionary conservation, supports that this variant does not alter protein structure/function; Has not been previously published as pathogenic or benign to our knowledge

NM_001267550.2(TTN):c.9122T>C (p.Val3041Ala)

Gene: TTN (titin; minus strand). Cytogenetic location: 2q31.2.
Variant type: single nucleotide variant.
Coding change: c.9122T>C on transcript NM_001267550.2 (MANE Select); coding-DNA position 9122, T replaced by C.
Protein change: p.Val3041Ala; replaces valine 3041 with alanine.
Molecular consequence: missense variant.
Genome position (GRCh38, 1-based): chr2:178,768,714, A>G on the plus strand (T>C on the coding strand, the complement: TTN is on the minus strand). VCF-style: chr2-178768714-A-G. GRCh37 (hg19) VCF-style: chr2-179633441-A-G.
Other names: c.9122T>C, p.Val3041Ala (NM_001256850.1, NM_133378.4, NM_133379.5); c.8984T>C, p.Val2995Ala (NM_003319.4, NM_133432.3, NM_133437.4); short protein forms V2995A, V3041A.
Identifiers: ClinVar variation 1315093 (VCV001315093.2), dbSNP rs770850737, ClinGen allele CA2004449.